The following is an entry in ClinVar:

NM_000179.3(MSH6):c.1182T>C (p.Ser394=)

Gene: MSH6 (mutS homolog 6; plus strand). Cytogenetic location: 2p16.3.
Variant type: single nucleotide variant.
Coding change: c.1182T>C on transcript NM_000179.3 (MANE Select); coding-DNA position 1182, T replaced by C.
Protein change: p.Ser394=; no amino-acid change (serine 394 retained).
Molecular consequence: synonymous variant.
Genome position (GRCh38, 1-based): chr2:47,799,165, T>C. VCF-style: chr2-47799165-T-C. GRCh37 (hg19) VCF-style: chr2-48026304-T-C.
Other names: c.792T>C, p.Ser264= (NM_001281492.2); c.276T>C, p.Ser92= (NM_001281493.2, NM_001281494.2).
Identifiers: ClinVar variation 215639 (VCV000215639.17), dbSNP rs863224325, ClinGen allele CA336830.
Genomic context (GRCh38, chr2:47,799,165, plus strand): 5'-GGAGGAAAAGAGAAGAGATGAGCACAGGAGGAGGCCTGATCACCCCGATTTTGATGCATC[T>C]ACACTCTATGTGCCTGAGGATTTCCTCAATTCTTGTACTCCTGGGATGAGGAAGTGGTGG-3'
Protein context (NP_000170.1, residues 384-404): RRPDHPDFDA[Ser394=]TLYVPEDFLN

ClinVar aggregate classification (germline): Benign/Likely benign. Review status: criteria provided, multiple submitters, no conflicts (2 of 4 stars). 4 submissions from 4 submitters: Benign (1); Likely benign (3). Last evaluated 2025-11-05.

Conditions:
Hereditary nonpolyposis colorectal neoplasms. Identifiers: MedGen C0009405, MeSH D003123.
Hereditary cancer-predisposing syndrome. Also called: Hereditary neoplastic syndrome; Neoplastic Syndromes, Hereditary; Tumor predisposition; Hereditary Cancer Syndrome. Identifiers: Orphanet 140162, MedGen C0027672, MeSH D009386, MONDO:0015356.
Lynch syndrome 5 (LYNCH5). Also called: Colorectal cancer, hereditary nonpolyposis, type 5; Hereditary non-polyposis colorectal cancer, type 5. Identifiers: Orphanet 144, MedGen C1833477, MONDO:0013710, OMIM 614350. Disease mechanism: loss of function.

Submissions (4):

Labcorp Genetics (formerly Invitae), Labcorp
Classification: Likely benign for Hereditary nonpolyposis colorectal neoplasms. Last evaluated: 2025-11-05. Review status: criteria provided, single submitter. Criteria: Invitae Variant Classification Sherloc (09022015). Collection method: clinical testing. Allele origin: germline.

Myriad Genetics, Inc.
Classification: Benign for Lynch syndrome 5. Last evaluated: 2024-12-23. Review status: criteria provided, single submitter. Criteria: Myriad Autosomal Dominant, Autosomal Recessive and X-Linked Classification Criteria (2023). Collection method: clinical testing. Allele origin: unknown.
Comment: This variant is considered benign. This variant is a silent/synonymous amino acid change and it is not expected to impact splicing.

Color Diagnostics, LLC DBA Color Health
Classification: Likely benign for Hereditary cancer-predisposing syndrome. Last evaluated: 2020-12-11. Review status: criteria provided, single submitter. Criteria: ACMG Guidelines, 2015. Collection method: clinical testing. Allele origin: germline.

Ambry Genetics
Classification: Likely benign for Hereditary cancer-predisposing syndrome. Last evaluated: 2018-01-25. Review status: criteria provided, single submitter. Criteria: Ambry Variant Classification Scheme 2023. Collection method: clinical testing. Allele origin: germline.